The following is an entry in ClinVar:

ClinVar aggregate classification (germline): Uncertain significance (1 of 4 stars; one submission).

Conditions:
Birt-Hogg-Dube syndrome. Also called: Birt Hogg Dubé syndrome. Identifiers: Orphanet 122, MedGen C0346010, MONDO:0800444.

Submission:

Labcorp Genetics (formerly Invitae), Labcorp
Classification: Uncertain significance for Birt-Hogg-Dube syndrome. Last evaluated: 2026-01-08. Review status: criteria provided, single submitter. Criteria: Invitae Variant Classification Sherloc (09022015). Collection method: clinical testing. Allele origin: germline.
Comment: This sequence change replaces phenylalanine, which is neutral and non-polar, with isoleucine, which is neutral and non-polar, at codon 20 of the FLCN protein (p.Phe20Ile). This variant is not present in population databases (gnomAD no frequency). This variant has not been reported in the literature in individuals affected with FLCN-related conditions. Invitae Evidence Modeling of protein sequence and biophysical properties (such as structural, functional, and spatial information, amino acid conservation, physicochemical variation, residue mobility, and thermodynamic stability) indicates that this missense variant is expected to disrupt FLCN protein function with a positive predictive value of 80%. In summary, the available evidence is currently insufficient to determine the role of this variant in disease. Therefore, it has been classified as a Variant of Uncertain Significance.

NM_144997.7(FLCN):c.58T>A (p.Phe20Ile)

Gene: FLCN (folliculin; minus strand). Cytogenetic location: 17p11.2.
Variant type: single nucleotide variant.
Coding change: c.58T>A on transcript NM_144997.7 (MANE Select); coding-DNA position 58, T replaced by A.
Protein change: p.Phe20Ile; replaces phenylalanine 20 with isoleucine.
Molecular consequence: missense variant.
Genome position (GRCh38, 1-based): chr17:17,228,080, A>T on the plus strand (T>A on the coding strand, the complement: FLCN is on the minus strand). VCF-style: chr17-17228080-A-T. GRCh37 (hg19) VCF-style: chr17-17131394-A-T.
Other names: c.58T>A, p.Phe20Ile (NM_001353229.2, NM_001353230.2, NM_001353231.2 and 1 more transcripts); short protein forms F20I.
Identifiers: ClinVar variation 4736717 (VCV004736717.1).